The following is an entry in ClinVar:

NM_003119.4(SPG7):c.1068G>A (p.Thr356=)

Gene: SPG7 (SPG7 matrix AAA peptidase subunit, paraplegin; plus strand). Cytogenetic location: 16q24.3.
Variant type: single nucleotide variant.
Coding change: c.1068G>A on transcript NM_003119.4 (MANE Select); coding-DNA position 1068, G replaced by A.
Protein change: p.Thr356=; no amino-acid change (threonine 356 retained).
Molecular consequence: synonymous variant.
Genome position (GRCh38, 1-based): chr16:89,531,984, G>A. VCF-style: chr16-89531984-G-A. GRCh37 (hg19) VCF-style: chr16-89598392-G-A.
Other names: c.1068G>A, p.Thr356= (NM_001363850.1, NM_199367.3).
Identifiers: ClinVar variation 515901 (VCV000515901.9), dbSNP rs368612689, ClinGen allele CA8243931.

ClinVar aggregate classification (germline): Likely benign. Review status: criteria provided, multiple submitters, no conflicts (2 of 4 stars). 2 submissions from 2 submitters: Likely benign (2). Last evaluated 2022-08-08.

Conditions:
Hereditary spastic paraplegia 7 (SPG7). Also called: SPASTIC PARAPLEGIA 7, AUTOSOMAL RECESSIVE, WITH OR WITHOUT CEREBELLAR ATAXIA; Spastic paraplegia 7; Hereditary spastic paraplegia Paraplegin type; Autosomal recessive spastic paraplegia type 7; SPG7-related neurologic disorder. Identifiers: Orphanet 99013, MedGen C1846564, MONDO:0011803, OMIM 607259.

Allele frequency attached by ClinVar (database versions not stated): gnomAD 0.00001; ExAC 0.00002; gnomAD exomes 0.00002 and 0.00004; TOPMed 0.00005; ESP Exome Variant Server 0.00015; 1000 Genomes Project 0.00020; 1000 Genomes Project 30x 0.00031.
gnomAD v4.1: 62 of 1,613,868 alleles (0.0038%); highest among the groups gnomAD compares: Non-Finnish European, 0.0046%; no homozygotes.

Submissions (2):

Labcorp Genetics (formerly Invitae), Labcorp
Classification: Likely benign for Hereditary spastic paraplegia 7. Last evaluated: 2022-08-08. Review status: criteria provided, single submitter. Criteria: Invitae Variant Classification Sherloc (09022015). Collection method: clinical testing. Allele origin: germline.

GeneDx
Classification: Likely benign. Last evaluated: 2018-03-12. Review status: criteria provided, single submitter. Criteria: GeneDx Variant Classification (06012015). Collection method: clinical testing. Allele origin: germline. Affected: yes.
Comment: This variant is considered likely benign or benign based on one or more of the following criteria: it is a conservative change, it occurs at a poorly conserved position in the protein, it is predicted to be benign by multiple in silico algorithms, and/or has population frequency not consistent with disease.